The following is an entry in ClinVar:

NM_182931.3(KMT2E):c.3028A>G (p.Asn1010Asp)

Gene: KMT2E (lysine methyltransferase 2E (inactive); plus strand). Cytogenetic location: 7q22.3.
Variant type: single nucleotide variant.
Coding change: c.3028A>G on transcript NM_182931.3 (MANE Select); coding-DNA position 3028, A replaced by G.
Protein change: p.Asn1010Asp; replaces asparagine 1010 with aspartic acid.
Molecular consequence: missense variant.
Genome position (GRCh38, 1-based): chr7:105,107,485, A>G. VCF-style: chr7-105107485-A-G. GRCh37 (hg19) VCF-style: chr7-104747932-A-G.
Other names: c.3028A>G, p.Asn1010Asp (NM_001410908.1, NM_018682.4); short protein forms N1010D.
Identifiers: ClinVar variation 2721998 (VCV002721998.3), dbSNP rs140476504, ClinGen allele CA4424387.
Genomic context (GRCh38, chr7:105,107,485, plus strand): 5'-CTGGGTCTGCAAGAAATAAAGACTATTGGTTATACGAGCCCTAGGAGTAGGACTGAAGTC[A>G]ACAGGCAGTGTCCTGGAGAAAAGGAACCTGTGTCAGACCTTCAGCTAGGACTCGATGCAG-3'
Protein context (NP_891847.1, residues 1000-1020): YTSPRSRTEV[Asn1010Asp]RQCPGEKEPV

ClinVar aggregate classification (germline): Uncertain significance (1 of 4 stars; one submission).

Allele frequency attached by ClinVar (database versions not stated): gnomAD 0.00001; ExAC 0.00002; gnomAD exomes 0.00002; 1000 Genomes Project 30x 0.00016; 1000 Genomes Project 0.00020.
gnomAD v4.1: 15 of 1,614,226 alleles (0.00093%); highest among the groups gnomAD compares: East Asian, 0.033%; no homozygotes.

Submission:

Labcorp Genetics (formerly Invitae), Labcorp
Classification: Uncertain significance. Last evaluated: 2023-02-22. Review status: criteria provided, single submitter. Criteria: Invitae Variant Classification Sherloc (09022015). Collection method: clinical testing. Allele origin: germline.
Comment: In summary, the available evidence is currently insufficient to determine the role of this variant in disease. Therefore, it has been classified as a Variant of Uncertain Significance. Advanced modeling of protein sequence and biophysical properties (such as structural, functional, and spatial information, amino acid conservation, physicochemical variation, residue mobility, and thermodynamic stability) performed at Invitae indicates that this missense variant is not expected to disrupt KMT2E protein function. This variant has not been reported in the literature in individuals affected with KMT2E-related conditions. This variant is present in population databases (rs140476504, gnomAD 0.01%). This sequence change replaces asparagine, which is neutral and polar, with aspartic acid, which is acidic and polar, at codon 1010 of the KMT2E protein (p.Asn1010Asp).